The following is an entry in ClinVar:

ClinVar aggregate classification (germline): Likely benign (1 of 4 stars; one submission).

Conditions:
Hereditary retinoblastoma. Identifiers: Orphanet 357027, MedGen C0751483, MONDO:0018160.

gnomAD v4.1: 105 of 1,168,444 alleles (0.009%); highest among the groups gnomAD compares: African/African-American, 0.15%; no homozygotes.

Submission:

Ramesar Group, Division of Human Genetics, Institute of Infectious Diseases and Molecular Medicine, UCT/MRC Genomic and Precision Medicine Research Unit, University of Cape Town
Classification: Likely benign for Hereditary retinoblastoma. Last evaluated: 2025-09-17. Review status: criteria provided, single submitter. Criteria: ACMG Guidelines, 2015. Collection method: research. Allele origin: germline. Affected: no.
Comment: BP5 - Variant found in a patient with a different retinal disease; RB1 is not associated with the phenotype BP7 - A non-coding variant with no predicted effect on splicing (SpliceAI scores are negligible)

NM_000321.3(RB1):c.264+111A>C

Gene: RB1 (RB transcriptional corepressor 1; plus strand). Cytogenetic location: 13q14.2.
Variant type: single nucleotide variant.
Coding change: c.264+111A>C on transcript NM_000321.3 (MANE Select); 111 bases into the intron after coding-DNA position 264, A replaced by C.
Molecular consequence: intron variant.
Genome position (GRCh38, 1-based): chr13:48,307,517, A>C. VCF-style: chr13-48307517-A-C. GRCh37 (hg19) VCF-style: chr13-48881653-A-C.
Other names: c.264+111A>C (NM_001407165.1, NM_001407166.1, NM_001407167.1).
Identifiers: ClinVar variation 4759371 (VCV004759371.1), dbSNP rs141609827.